The following is an entry in ClinVar:

NM_001360.3(DHCR7):c.3G>A (p.Met1Ile)

Gene: DHCR7 (7-dehydrocholesterol reductase; minus strand). Cytogenetic location: 11q13.4.
Variant type: single nucleotide variant.
Coding change: c.3G>A on transcript NM_001360.3 (MANE Select); coding-DNA position 3, G replaced by A.
Protein change: p.Met1Ile; changes the start codon (methionine 1).
Molecular consequence: missense variant, initiator codon variant.
Genome position (GRCh38, 1-based): chr11:71,444,950, C>T on the plus strand (G>A on the coding strand, the complement: DHCR7 is on the minus strand). VCF-style: chr11-71444950-C-T. GRCh37 (hg19) VCF-style: chr11-71155996-C-T.
Other names: M1L; c.3G>A, p.Met1Ile (NM_001163817.2); short protein forms M1I.
Identifiers: ClinVar variation 6791 (VCV000006791.22), dbSNP rs121909767, ClinGen allele CA118510.

ClinVar aggregate classification (germline): Pathogenic/Likely pathogenic. Review status: criteria provided, multiple submitters, no conflicts (2 of 4 stars). 11 submissions from 11 submitters: Pathogenic (4); Likely pathogenic (2). 5 of the submissions do not count toward it. Last evaluated 2026-02-03.

Conditions:
Smith-Lemli-Opitz syndrome (SLOS). Also called: POLYDACTYLY, SEX REVERSAL, RENAL HYPOPLASIA, AND UNILOBAR LUNG; RSH SYNDROME; RUTLEDGE LETHAL MULTIPLE CONGENITAL ANOMALY SYNDROME; 7-Dehydrocholesterol reductase deficiency; LETHAL ACRODYSGENITAL SYNDROME. Identifiers: Orphanet 818, MedGen C0175694, MONDO:0010035, OMIM 270400.

Allele frequency attached by ClinVar (database versions not stated): gnomAD exomes below 0.00001 and 0.00001; TOPMed 0.00001; gnomAD 0.00003.

Submissions (11):

Myriad Genetics, Inc.
Classification: Pathogenic for Smith-Lemli-Opitz syndrome. Last evaluated: 2026-02-03. Review status: criteria provided, single submitter. Criteria: Myriad Autosomal Dominant, Autosomal Recessive and X-Linked Classification Criteria (2023). Collection method: clinical testing. Allele origin: unknown.
Comment: NM_001360.2(DHCR7):c.3G>A(M1?) is an initiation codon variant classified as pathogenic in the context of Smith-Lemli-Opitz syndrome. Please note that M1? may be associated with mild disease. M1? has been observed in cases with relevant disease (PMID: 12949967). Relevant functional assessments of this variant are not available in the literature. M1? has been observed in referenced population frequency databases. In summary, NM_001360.2(DHCR7):c.3G>A(M1?) is an initiation codon variant in a gene where loss of function is a known mechanism of disease, is predicted to disrupt protein function, and has been observed more frequently in cases with the relevant disease than in healthy populations. Please note: this variant was assessed in the context of healthy population screening.

Natera, Inc.
Classification: Pathogenic for Smith-Lemli-Opitz syndrome. Last evaluated: 2025-07-15. Review status: criteria provided, single submitter. Criteria: Natera Variant Classification Schema (03/2026). Collection method: clinical testing. Allele origin: germline.
Comment: The c.3G>A variant in DHCR7 is predicted to result in start loss due to disruption of the initiator methionine. This variant is expected to result in nonsense mediated decay, truncation, or a dysfunctional protein product. This variant is rare in the general population with a frequency below the threshold expected for the associated phenotype(s). This variant has been observed in one or more individuals affected with the associated recessive disease, as either homozygous or compound heterozygous with a second variant (PMID: 12949967). Additionally, this variant has been observed to segregate in affected family members (PMID: 12949967). Given the available evidence, this variant is classified as Pathogenic.

Labcorp Genetics (formerly Invitae), Labcorp
Classification: Pathogenic for Smith-Lemli-Opitz syndrome. Last evaluated: 2024-05-07. Review status: criteria provided, single submitter. Criteria: Invitae Variant Classification Sherloc (09022015). Collection method: clinical testing. Allele origin: germline.
Comment: This sequence change affects the initiator methionine of the DHCR7 mRNA. The next in-frame methionine is located at codon 59. This variant is present in population databases (rs121909767, gnomAD 0.0009%). Disruption of the initiator codon has been observed in individual(s) with Smith–Lemli–Opitz syndrome (PMID: 12949967). ClinVar contains an entry for this variant (Variation ID: 6791). For these reasons, this variant has been classified as Pathogenic.

Fulgent Genetics
Classification: Pathogenic for Smith-Lemli-Opitz syndrome. Last evaluated: 2024-02-28. Review status: criteria provided, single submitter. Criteria: ACMG Guidelines, 2015. Collection method: clinical testing. Allele origin: germline.

GeneDx
Classification: Likely pathogenic. Last evaluated: 2023-07-06. Review status: criteria provided, single submitter. Criteria: GeneDx Variant Classification Process June 2021. Collection method: clinical testing. Allele origin: germline. Affected: yes.
Comment: As this variant changes the translation initiator Methionine codon, the resultant protein is described as p.Met1?, using a question mark to signify that it is not known if the loss of Met1 means that all protein translation is completely prevented or if an abnormal protein is produced using an alternate Methionine; Not observed at significant frequency in large population cohorts (gnomAD); This variant is associated with the following publications: (PMID: 12949967, 11111101, 23042628, 11767235, 11453964)

Women's Health and Genetics/Laboratory Corporation of America, LabCorp
Classification: Likely pathogenic for Smith-Lemli-Opitz syndrome. Last evaluated: 2020-09-28. Review status: criteria provided, single submitter. Criteria: LabCorp Variant Classification Summary - May 2015. Collection method: clinical testing. Allele origin: germline.
Comment: Variant summary: DHCR7 c.3G>A (p.Met1?; p.Met1Ile) alters the initiation codon and is predicted to result either in absence of the protein or truncation of the encoded protein due to translation initiation at a downstream codon. At-least one report describes evidence supporting alternative translation initiation from the downsteam Methionine codon 59 of the wild-type DHCR7 protein and that the first N-terminal 58 amino acids are not required for enzyme activity apriori (Wassif_1998). Another variant, c.1A>G (p.Met1?, reported as p.Met1Val) has also been reported in a patient with Smith-Lemli-Opitz Syndrome (Witsch-Baumgartner_2005). Two of three in-silico tools predict a benign effect of the variant on protein function. The variant allele was found at a frequency of 4e-06 in 251484 control chromosomes. c.3G>A has been reported in the literature as a compound heterozygous genotype in at-least three individuals affected with milder clinical manifestations of Smith-Lemli-Opitz Syndrome (example, Waterham_2000, Langius_2003) and has been subsequently cited by others (example, Scalco_2005, Witsch-Baumgartner_2005, Correa-Cerro_2005, Jezela-Stanek_2008). These data indicate that the variant may be associated with disease. To our knowledge, no variant specific experimental evidence demonstrating an impact on protein function has been reported. No clinical diagnostic laboratories have submitted clinical-significance assessments for this variant to ClinVar after 2014. One clinical diagnostic laboratory has submitted clinical significance assessment as likely pathogenic to ClinVar before 2014. Based on the evidence outlined above, the variant was classified as likely pathogenic.

Counsyl
Classification: Likely pathogenic for Smith-Lemli-Opitz syndrome. Last evaluated: 2014-07-07. Review status: no assertion criteria provided. Collection method: literature only. Allele origin: unknown. Inheritance: Autosomal recessive inheritance. Not counted in ClinVar's aggregate classification.

OMIM
Classification: Pathogenic for SMITH-LEMLI-OPITZ SYNDROME, MILD. Last evaluated: 2003-09-15. Review status: no assertion criteria provided. Collection method: literature only. Allele origin: germline. Not counted in ClinVar's aggregate classification.

Diagnostic Laboratory, Department of Genetics, University Medical Center Groningen
Classification: Pathogenic. Review status: no assertion criteria provided. Collection method: clinical testing. Allele origin: germline. Affected: yes. Study: VKGL Data-share Consensus. Not counted in ClinVar's aggregate classification.

Genome Diagnostics Laboratory, Amsterdam University Medical Center
Classification: Pathogenic. Review status: no assertion criteria provided. Collection method: clinical testing. Allele origin: germline. Affected: yes. Study: VKGL Data-share Consensus. Not counted in ClinVar's aggregate classification.

Genome Diagnostics Laboratory, University Medical Center Utrecht
Classification: Pathogenic. Review status: no assertion criteria provided. Collection method: clinical testing. Allele origin: germline. Affected: yes. Study: VKGL Data-share Consensus. Not counted in ClinVar's aggregate classification.

Literature cited by the submitters: PubMed 12949967 (cited by 6 submitters); PubMed 15776424 (cited by Women's Health and Genetics/Laboratory Corporation of America, LabCorp and Counsyl); PubMed 11111101 (cited by Women's Health and Genetics/Laboratory Corporation of America, LabCorp and Counsyl); PubMed 15952211 (cited by Women's Health and Genetics/Laboratory Corporation of America, LabCorp and Counsyl); PubMed 15670717 (cited by Women's Health and Genetics/Laboratory Corporation of America, LabCorp); PubMed 18249054 (cited by Women's Health and Genetics/Laboratory Corporation of America, LabCorp and Counsyl); PubMed 11453964 (cited by Counsyl); PubMed 23042628 (cited by Counsyl); PubMed 9634533 (cited by Counsyl); PubMed 11767235 (cited by Counsyl).